The following is an entry in ClinVar:

ClinVar aggregate classification (germline): Likely benign. Review status: criteria provided, multiple submitters, no conflicts (2 of 4 stars). 2 submissions from 2 submitters: Likely benign (2). Last evaluated 2024-02-24.

Conditions:
Autosomal recessive limb-girdle muscular dystrophy type 2J (LGMDR10). Also called: Limb-girdle muscular dystrophy, type 2J; MUSCULAR DYSTROPHY, LIMB-GIRDLE, AUTOSOMAL RECESSIVE 10. Identifiers: Orphanet 140922, MedGen C1837342, MONDO:0012127, OMIM 608807.
Dilated cardiomyopathy 1G (CMD1G). Identifiers: Orphanet 154, MedGen C1858763, MONDO:0011400, OMIM 604145.

Allele frequency attached by ClinVar (database versions not stated): TOPMed 0.00001.
gnomAD v4.1: 1 of 1,613,654 alleles (0.000062%); highest among the groups gnomAD compares: African/African-American, 0.0013%; no homozygotes.

Submissions (2):

Labcorp Genetics (formerly Invitae), Labcorp
Classification: Likely benign for Dilated cardiomyopathy 1G; Autosomal recessive limb-girdle muscular dystrophy type 2J. Last evaluated: 2024-02-24. Review status: criteria provided, single submitter. Criteria: Invitae Variant Classification Sherloc (09022015). Collection method: clinical testing. Allele origin: germline.

GeneDx
Classification: Likely benign. Last evaluated: 2016-11-28. Review status: criteria provided, single submitter. Criteria: GeneDx Variant Classification (06012015). Collection method: clinical testing. Allele origin: germline. Affected: yes.
Comment: This variant is considered likely benign or benign based on one or more of the following criteria: it is a conservative change, it occurs at a poorly conserved position in the protein, it is predicted to be benign by multiple in silico algorithms, and/or has population frequency not consistent with disease.

NM_001267550.2(TTN):c.11475A>G (p.Glu3825=)

Gene: TTN (titin; minus strand). Cytogenetic location: 2q31.2.
Variant type: single nucleotide variant.
Coding change: c.11475A>G on transcript NM_001267550.2 (MANE Select); coding-DNA position 11475, A replaced by G.
Protein change: p.Glu3825=; no amino-acid change (glutamic acid 3825 retained).
Molecular consequence: synonymous variant. On other transcripts: intron variant (1).
Genome position (GRCh38, 1-based): chr2:178,741,758, T>C on the plus strand (A>G on the coding strand, the complement: TTN is on the minus strand). VCF-style: chr2-178741758-T-C. GRCh37 (hg19) VCF-style: chr2-179606485-T-C.
Other names: c.10524A>G, p.Glu3508= (NM_001256850.1); c.10386A>G, p.Glu3462= (NM_003319.4); c.10761A>G, p.Glu3587= (NM_133432.3); c.10962A>G, p.Glu3654= (NM_133437.4); c.10361-3398A>G (NM_133378.4).
Identifiers: ClinVar variation 391145 (VCV000391145.10), dbSNP rs1057523983, ClinGen allele CA16604046.